The following is an entry in ClinVar:

NM_000350.3(ABCA4):c.4593C>T (p.Ser1531=)

Gene: ABCA4 (ATP binding cassette subfamily A member 4; minus strand). Cytogenetic location: 1p22.1.
Variant type: single nucleotide variant.
Coding change: c.4593C>T on transcript NM_000350.3 (MANE Select); coding-DNA position 4593, C replaced by T.
Protein change: p.Ser1531=; no amino-acid change (serine 1531 retained).
Molecular consequence: synonymous variant.
Genome position (GRCh38, 1-based): chr1:94,024,995, G>A on the plus strand (C>T on the coding strand, the complement: ABCA4 is on the minus strand). VCF-style: chr1-94024995-G-A. GRCh37 (hg19) VCF-style: chr1-94490551-G-A.
Other names: c.4371C>T, p.Ser1457= (NM_001425324.1).
Identifiers: ClinVar variation 876683 (VCV000876683.8), dbSNP rs746070443, ClinGen allele CA957553.
Genomic context (GRCh38, chr1:94,024,995, plus strand): 5'-TAAAAGGATTTCTTCTTACCTGCTTCTTATAAGAGCAGGATACGTTTTTACCAAGAAGTC[G>A]GAGATGTTCCTGTCCGTCAGGTCTTGTAGAATTTCCGTGCTGCGCTGTGTTCTCTGAGGC-3'
Protein context (NP_000341.2, residues 1521-1541): ILQDLTDRNI[Ser1531=]DFLVKTYPAL

ClinVar aggregate classification (germline): Conflicting classifications of pathogenicity. Review status: criteria provided, conflicting classifications (1 of 4 stars). 3 submissions from 3 submitters: Uncertain significance (1); Likely benign (2). Last evaluated 2026-04-25.

Conditions:
ABCA4-related disorder. Also called: ABCA4-related disorders; ABCA4-related condition. Identifiers: MedGen CN239167.

Allele frequency attached by ClinVar (database versions not stated): ExAC 0.00001; gnomAD 0.00001; gnomAD exomes 0.00001.
gnomAD v4.1: 9 of 1,614,078 alleles (0.00056%); highest among the groups gnomAD compares: East Asian, 0.0022%; no homozygotes.

Submissions (3):

PreventionGenetics, part of Exact Sciences
Classification: Likely benign for ABCA4-related condition. Last evaluated: 2026-04-25. Review status: criteria provided, single submitter. Criteria: ACMG Guidelines, 2015. Collection method: clinical testing. Allele origin: germline.
Comment: This variant is classified as likely benign based on ACMG/AMP sequence variant interpretation guidelines (Richards et al. 2015 PMID: 25741868, with internal and published modifications).

Labcorp Genetics (formerly Invitae), Labcorp
Classification: Likely benign. Last evaluated: 2024-09-22. Review status: criteria provided, single submitter. Criteria: Invitae Variant Classification Sherloc (09022015). Collection method: clinical testing. Allele origin: germline.

Illumina Laboratory Services, Illumina
Classification: Uncertain significance for ABCA4-Related Disorders. Last evaluated: 2018-01-12. Review status: criteria provided, single submitter. Criteria: ICSL Variant Classification Criteria 13 December 2019. Collection method: clinical testing. Allele origin: germline.